The following is an entry in ClinVar:

NM_000256.3(MYBPC3):c.3644T>A (p.Phe1215Tyr)

Gene: MYBPC3 (myosin binding protein C3; minus strand). Cytogenetic location: 11p11.2.
Variant type: single nucleotide variant.
Coding change: c.3644T>A on transcript NM_000256.3 (MANE Select); coding-DNA position 3644, T replaced by A.
Protein change: p.Phe1215Tyr; replaces phenylalanine 1215 with tyrosine.
Molecular consequence: missense variant.
Genome position (GRCh38, 1-based): chr11:47,332,242, A>T on the plus strand (T>A on the coding strand, the complement: MYBPC3 is on the minus strand). VCF-style: chr11-47332242-A-T. GRCh37 (hg19) VCF-style: chr11-47353793-A-T.
Other names: short protein forms F1215Y.
Identifiers: ClinVar variation 1733542 (VCV001733542.3), dbSNP rs2095877898, ClinGen allele CA380311877.

ClinVar aggregate classification (germline): Uncertain significance. Review status: criteria provided, multiple submitters, no conflicts (2 of 4 stars). 2 submissions from 2 submitters: Uncertain significance (2). Last evaluated 2023-04-03.

Conditions:
Cardiovascular phenotype. Identifiers: MedGen CN230736.
Hypertrophic cardiomyopathy. Also called: HYPERTROPHIC MYOCARDIOPATHY. Identifiers: Orphanet 217569, MedGen C0007194, MeSH D002312, MONDO:0005045, HP:0001639.

Allele frequency attached by ClinVar (database versions not stated): gnomAD 0.00001; TOPMed 0.00001.
gnomAD v4.1: 1 of 1,613,674 alleles (0.000062%); highest among the groups gnomAD compares: Admixed American, 0.0017%; no homozygotes.

Submissions (2):

Labcorp Genetics (formerly Invitae), Labcorp
Classification: Uncertain significance for Hypertrophic cardiomyopathy. Last evaluated: 2023-04-03. Review status: criteria provided, single submitter. Criteria: Invitae Variant Classification Sherloc (09022015). Collection method: clinical testing. Allele origin: germline.
Comment: This sequence change replaces phenylalanine, which is neutral and non-polar, with tyrosine, which is neutral and polar, at codon 1215 of the MYBPC3 protein (p.Phe1215Tyr). This variant is not present in population databases (gnomAD no frequency). In summary, the available evidence is currently insufficient to determine the role of this variant in disease. Therefore, it has been classified as a Variant of Uncertain Significance. An algorithm developed to predict the effect of missense changes on protein structure and function (PolyPhen-2) suggests that this variant¬† is likely to be tolerated. ClinVar contains an entry for this variant (Variation ID: 1733542). This variant has not been reported in the literature in individuals affected with MYBPC3-related conditions.

Ambry Genetics
Classification: Uncertain significance for Cardiovascular phenotype. Last evaluated: 2019-05-29. Review status: criteria provided, single submitter. Criteria: Ambry Variant Classification Scheme 2023. Collection method: clinical testing. Allele origin: germline.
Comment: The p.F1215Y variant (also known as c.3644T>A), located in coding exon 33 of the MYBPC3 gene, results from a T to A substitution at nucleotide position 3644. The phenylalanine at codon 1215 is replaced by tyrosine, an amino acid with highly similar properties. This amino acid position is not well conserved in available vertebrate species, and tyrosine is the reference amino acid in other vertebrate species. In addition, this alteration is predicted to be tolerated by in silico analysis. Since supporting evidence is limited at this time, the clinical significance of this alteration remains unclear.